The following is an entry in ClinVar:

ClinVar aggregate classification (germline): Uncertain significance. Review status: criteria provided, multiple submitters, no conflicts (2 of 4 stars). 2 submissions from 2 submitters: Uncertain significance (2). Last evaluated 2025-03-30.

Conditions:
Inborn genetic diseases. Identifiers: MedGen C0950123, MeSH D030342.

Allele frequency attached by ClinVar (database versions not stated): ExAC 0.00001; gnomAD 0.00001; gnomAD exomes 0.00001; TOPMed 0.00002.
gnomAD v4.1: 19 of 1,613,492 alleles (0.0012%); highest among the groups gnomAD compares: East Asian, 0.0022%; 1 homozygote.

Submissions (2):

Ambry Genetics
Classification: Uncertain significance for Inborn genetic diseases. Last evaluated: 2025-03-30. Review status: criteria provided, single submitter. Criteria: Ambry Variant Classification Scheme 2023. Collection method: clinical testing. Allele origin: germline.

Labcorp Genetics (formerly Invitae), Labcorp
Classification: Uncertain significance. Last evaluated: 2023-11-27. Review status: criteria provided, single submitter. Criteria: Invitae Variant Classification Sherloc (09022015). Collection method: clinical testing. Allele origin: germline.
Comment: This sequence change replaces arginine, which is basic and polar, with cysteine, which is neutral and slightly polar, at codon 482 of the GLIS3 protein (p.Arg482Cys). This variant is present in population databases (rs764032314, gnomAD 0.006%), including at least one homozygous and/or hemizygous individual. This variant has not been reported in the literature in individuals affected with GLIS3-related conditions. ClinVar contains an entry for this variant (Variation ID: 2173484). An algorithm developed to predict the effect of missense changes on protein structure and function (PolyPhen-2) suggests that this variant is likely to be disruptive. In summary, the available evidence is currently insufficient to determine the role of this variant in disease. Therefore, it has been classified as a Variant of Uncertain Significance.

NM_001042413.2(GLIS3):c.1909C>T (p.Arg637Cys)

Gene: GLIS3 (GLIS family zinc finger 3; minus strand). Cytogenetic location: 9p24.2.
Variant type: single nucleotide variant.
Coding change: c.1909C>T on transcript NM_001042413.2 (MANE Select); coding-DNA position 1909, C replaced by T.
Protein change: p.Arg637Cys; replaces arginine 637 with cysteine.
Molecular consequence: missense variant.
Genome position (GRCh38, 1-based): chr9:3,932,434, G>A on the plus strand (C>T on the coding strand, the complement: GLIS3 is on the minus strand). VCF-style: chr9-3932434-G-A. GRCh37 (hg19) VCF-style: chr9-3932434-G-A.
Other names: c.1444C>T, p.Arg482Cys (NM_152629.4); c.1444C>T (NM_152629.3); short protein forms R637C, R482C.
Identifiers: ClinVar variation 2173484 (VCV002173484.5), dbSNP rs764032314, ClinGen allele CA4968022.